The following is an entry in ClinVar:

NM_001903.5(CTNNA1):c.1412T>A (p.Leu471Ter)

Gene: CTNNA1 (catenin alpha 1; plus strand). Cytogenetic location: 5q31.2.
Variant type: single nucleotide variant.
Coding change: c.1412T>A on transcript NM_001903.5 (MANE Select); coding-DNA position 1412, T replaced by A.
Protein change: p.Leu471Ter; replaces leucine 471 with a stop codon.
Molecular consequence: nonsense. On other transcripts: 5 prime UTR variant (5).
Genome position (GRCh38, 1-based): chr5:138,917,764, T>A. VCF-style: chr5-138917764-T-A. GRCh37 (hg19) VCF-style: chr5-138253453-T-A.
Other names: c.1412T>A, p.Leu471Ter (NM_001290307.3, NM_001323982.2, NM_001323983.1 and 2 more transcripts); c.1103T>A, p.Leu368Ter (NM_001290309.3); c.1043T>A, p.Leu348Ter (NM_001290310.3); c.302T>A, p.Leu101Ter (NM_001290312.1, NM_001323987.1, NM_001323988.1 and 17 more transcripts); c.1319T>A, p.Leu440Ter (NM_001323986.2); c.-38T>A (NM_001324006.1, NM_001324007.1, NM_001324008.1 and 2 more transcripts); c.209T>A, p.Leu70Ter (NM_001324011.1); c.59T>A, p.Leu20Ter (NM_001324012.1, NM_001324013.1); short protein forms L20*, L70*, L348*, L440*, L471*, L101*, L368*.
Identifiers: ClinVar variation 1772070 (VCV001772070.6), dbSNP rs2533587832, ClinGen allele CA361137100.

ClinVar aggregate classification (germline): Pathogenic. Review status: criteria provided, multiple submitters, no conflicts (2 of 4 stars). 2 submissions from 2 submitters: Pathogenic (2). Last evaluated 2025-07-15.

Conditions:
Hereditary cancer-predisposing syndrome. Also called: Hereditary Cancer Syndrome; Hereditary neoplastic syndrome; Neoplastic Syndromes, Hereditary; Tumor predisposition. Identifiers: Orphanet 140162, MedGen C0027672, MeSH D009386, MONDO:0015356.

Submissions (2):

Ambry Genetics
Classification: Pathogenic for Hereditary cancer-predisposing syndrome. Last evaluated: 2025-07-15. Review status: criteria provided, single submitter. Criteria: Ambry Variant Classification Scheme 2023. Collection method: clinical testing. Allele origin: germline.
Comment: The p.L471* pathogenic mutation (also known as c.1412T>A), located in coding exon 10 of the CTNNA1 gene, results from a T to A substitution at nucleotide position 1412. This changes the amino acid from a leucine to a stop codon within coding exon 10. This variant is considered to be rare based on population cohorts in the Genome Aggregation Database (gnomAD). This alteration is expected to result in loss of function by premature protein truncation or nonsense-mediated mRNA decay. As such, this alteration is interpreted as a disease-causing mutation.

Labcorp Genetics (formerly Invitae), Labcorp
Classification: Pathogenic. Last evaluated: 2023-12-30. Review status: criteria provided, single submitter. Criteria: Invitae Variant Classification Sherloc (09022015). Collection method: clinical testing. Allele origin: germline.
Comment: This sequence change creates a premature translational stop signal (p.Leu471*) in the CTNNA1 gene. It is expected to result in an absent or disrupted protein product. Loss-of-function variants in CTNNA1 are known to be pathogenic (PMID: 32051609, 34425242). This variant is not present in population databases (gnomAD no frequency). This variant has not been reported in the literature in individuals affected with CTNNA1-related conditions. ClinVar contains an entry for this variant (Variation ID: 1772070). For these reasons, this variant has been classified as Pathogenic.

Literature cited by the submitters: PubMed 32051609 (cited by Labcorp Genetics (formerly Invitae), Labcorp); PubMed 34425242 (cited by Labcorp Genetics (formerly Invitae), Labcorp).